The following is an entry in ClinVar:

NM_002025.4(AFF2):c.3038C>T (p.Thr1013Met)

Gene: AFF2 (ALF transcription elongation factor 2; plus strand). Cytogenetic location: Xq28.
Variant type: single nucleotide variant.
Coding change: c.3038C>T on transcript NM_002025.4 (MANE Select); coding-DNA position 3038, C replaced by T.
Protein change: p.Thr1013Met; replaces threonine 1013 with methionine.
Molecular consequence: missense variant.
Genome position (GRCh38, 1-based): chrX:148,966,914, C>T. VCF-style: chrX-148966914-C-T. GRCh37 (hg19) VCF-style: chrX-148048444-C-T.
Other names: c.2933C>T, p.Thr978Met (NM_001169122.2, NM_001169124.2); c.3008C>T, p.Thr1003Met (NM_001169123.2); c.2921C>T, p.Thr974Met (NM_001169125.2); c.1961C>T, p.Thr654Met (NM_001170628.1); short protein forms T1013M, T654M, T974M, T1003M, T978M.
Identifiers: ClinVar variation 451523 (VCV000451523.3), dbSNP rs969709894, ClinGen allele CA337003927.

ClinVar aggregate classification (germline): Uncertain significance. Review status: criteria provided, multiple submitters, no conflicts (2 of 4 stars). 2 submissions from 2 submitters: Uncertain significance (2). Last evaluated 2022-09-02.

Conditions:
FRAXE. Also called: FRAXE Syndrome; FRAXE intellectual disability; Intellectual disability, X-linked, FRAXE type; Intellectual developmental disorder, X-linked 109; Fragile XE syndrome. Identifiers: Orphanet 100973, MedGen C0751157, MONDO:0010659, OMIM 309548. Disease mechanism: loss of function.

Allele frequency attached by ClinVar (database versions not stated): gnomAD exomes below 0.00001; gnomAD 0.00001; TOPMed 0.00001.
gnomAD v4.1: 6 of 1,208,980 alleles (0.0005%); highest among the groups gnomAD compares: Non-Finnish European, 0.00045%; no homozygotes.

Submissions (2):

Victorian Clinical Genetics Services, Murdoch Childrens Research Institute
Classification: Uncertain significance for FRAXE. Last evaluated: 2022-09-02. Review status: criteria provided, single submitter. Criteria: ACMG Guidelines, 2015. Collection method: clinical testing. Allele origin: germline. Inheritance: X-linked recessive inheritance. Affected: yes.
Comment: Based on the classification scheme VCGS_Germline_v1.3.4, this variant is classified as VUS-3B. Following criteria are met: 0102 - Loss of function is a known mechanism of disease in this gene and is associated with X-linked intellectual developmental disorder 109 (MIM#309548). (I) 0109 - This gene is associated with X-linked recessive disease. (I) 0200 - Variant is predicted to result in a missense amino acid change from threonine to methionine. (I) 0253 - This variant is hemizygous. (I) 0304 - Variant is present in gnomAD (v3) <0.01 for a recessive condition (1 heterozygote, 0 homozygotes, 0 hemizygotes). (SP) 0502 - Missense variant with conflicting in silico predictions and uninformative conservation. (I) 0604 - Variant is not located in an established domain, motif, hotspot or informative constraint region. (I) 0705 - No comparable missense variants have previous evidence for pathogenicity. (I) 0809 - Previous evidence of pathogenicity for this variant is inconclusive. This variant has been classified as a VUS by a clinical laboratory in ClinVar. (I) 0905 - No published segregation evidence has been identified for this variant. (I) 1007 - No published functional evidence has been identified for this variant. (I) Legend: (SP) - Supporting pathogenic, (I) - Information, (SB) - Supporting benign

GeneDx
Classification: Uncertain significance. Last evaluated: 2017-08-22. Review status: criteria provided, single submitter. Criteria: GeneDx Variant Classification (06012015). Collection method: clinical testing. Allele origin: germline. Affected: yes.
Comment: The T1013M variant in the AFF2 gene has not been reported previously as a pathogenic variant, nor as a benign variant, to our knowledge. The T1013M variant is not observed in large population cohorts (Lek et al., 2016; 1000 Genomes Consortium et al., 2015; Exome Variant Server). The T1013M variant is a non-conservative amino acid substitution, which is likely to impact secondary protein structure as these residues differ in polarity, charge, size and/or other properties. This substitution occurs at a position that is conserved in mammals. In silico analysis is inconsistent in its predictions as to whether or not the variant is damaging to the protein structure/function. We interpret T1013M as a variant of uncertain significance.